The following is an entry in ClinVar:

NM_003242.6(TGFBR2):c.-195G>C

Genes: TGFBR2 (transforming growth factor beta receptor 2; plus strand), LOC129936399 (ATAC-STARR-seq lymphoblastoid silent region 14158; plus strand). Cytogenetic location: 3p24.1.
Variant type: single nucleotide variant.
Coding change: c.-195G>C on transcript NM_003242.6 (MANE Select); 195 bases upstream of the start codon, G replaced by C.
Molecular consequence: 5 prime UTR variant. On other transcripts: intron variant (2).
Genome position (GRCh38, 1-based): chr3:30,606,689, G>C. VCF-style: chr3-30606689-G-C. GRCh37 (hg19) VCF-style: chr3-30648181-G-C.
Other names: c.-195G>C (NM_001024847.3, NM_001407126.1, NM_001407127.1 and 4 more transcripts); c.-478G>C (NM_001407133.1); c.-356G>C (NM_001407134.1); c.-403G>C (NM_001407135.1); c.-488G>C (NM_001407136.1); c.-12+96G>C (NM_001407129.1, NM_001407132.1).
Identifiers: ClinVar variation 3220877 (VCV003220877.1), dbSNP rs925186023, ClinGen allele CA72289934.

ClinVar aggregate classification (germline): Uncertain risk allele (1 of 4 stars; one submission).

Conditions:
Diabetic retinopathy. Identifiers: MedGen C0011884, MONDO:0005266.

Allele frequency attached by ClinVar (database versions not stated): gnomAD 0.00004.
gnomAD v4.1: 7 of 388,686 alleles (0.0018%); highest among the groups gnomAD compares: African/African-American, 0.014%; no homozygotes.

Submission:

Clinical Genomics, Uppaluri K&H Personalized Medicine Clinic
Classification: Uncertain risk allele for Diabetic retinopathy. Review status: criteria provided, single submitter. Criteria: K And H Uppaluri Personalized Medicine Clinic Variant Classification And Assertion Criteria Updated V 2. Collection method: research. Allele origin: unknown.
Comment: Potent mutations in TGFBR2 gene encodes the transforming growth factor that have been associated with angiogenesis and diabetic retinopathy. More clinical studies are needed for stronger association. However, more evidence is required to confer the association of this particular variant rs925186023 with diabetic retinopathy.

Literature cited by the submitters: PubMed 30222965; PubMed 28162229; PubMed 34572573.